The following is an entry in ClinVar:

NM_005751.5(AKAP9):c.6485T>C (p.Val2162Ala)

Gene: AKAP9 (A-kinase anchoring protein 9; plus strand). Cytogenetic location: 7q21.2.
Variant type: single nucleotide variant.
Coding change: c.6485T>C on transcript NM_005751.5 (MANE Select); coding-DNA position 6485, T replaced by C.
Protein change: p.Val2162Ala; replaces valine 2162 with alanine.
Molecular consequence: missense variant. On other transcripts: splice donor variant (1).
Genome position (GRCh38, 1-based): chr7:92,070,184, T>C. VCF-style: chr7-92070184-T-C. GRCh37 (hg19) VCF-style: chr7-91699498-T-C.
Other names: c.1130T>C, p.Val377Ala (NM_001379277.1); c.6483+2T>C (NM_147185.3); short protein forms V2162A, V377A.
Identifiers: ClinVar variation 2564461 (VCV002564461.2), dbSNP rs2535218804, ClinGen allele CA368134304.
Genomic context (GRCh38, chr7:92,070,184, plus strand): 5'-GGAATGAAGAAATAGAGAAACTGGAGTTCAGAGTAAGAGAACTGGAGCAGGCGCTTCTTG[T>C]GAGTGCAGATACTTTTCAAAAGGTGTGGCATTTTATTTGGGCTAACTTAATAAGTGTTTT-3'
Protein context (NP_005742.4, residues 2152-2172): RVRELEQALL[Val2162Ala]SADTFQKVED

ClinVar aggregate classification (germline): Uncertain significance (1 of 4 stars; one submission).

Conditions:
Cardiovascular phenotype. Identifiers: MedGen CN230736.

Allele frequency attached by ClinVar (database versions not stated): gnomAD exomes 0.00001.
gnomAD v4.1: 10 of 1,614,066 alleles (0.00062%); highest among the groups gnomAD compares: Non-Finnish European, 0.00085%; no homozygotes.

Submission:

Ambry Genetics
Classification: Uncertain significance for Cardiovascular phenotype. Last evaluated: 2023-04-08. Review status: criteria provided, single submitter. Criteria: Ambry Variant Classification Scheme 2023. Collection method: clinical testing. Allele origin: germline.
Comment: The p.V2162A variant (also known as c.6485T>C), located in coding exon 27 of the AKAP9 gene, results from a T to C substitution at nucleotide position 6485. The valine at codon 2162 is replaced by alanine, an amino acid with similar properties. This amino acid position is conserved. In addition, this alteration is predicted to be tolerated by in silico analysis. Since supporting evidence is limited at this time, the clinical significance of this alteration remains unclear.